The following is an entry in ClinVar:

ClinVar aggregate classification (germline): Uncertain significance (1 of 4 stars; one submission).

Allele frequency attached by ClinVar (database versions not stated): gnomAD exomes below 0.00001.
gnomAD v4.1: 1 of 1,601,166 alleles (0.000062%); highest among the groups gnomAD compares: South Asian, 0.0011%; no homozygotes.

Submission:

Labcorp Genetics (formerly Invitae), Labcorp
Classification: Uncertain significance. Last evaluated: 2024-09-01. Review status: criteria provided, single submitter. Criteria: Invitae Variant Classification Sherloc (09022015). Collection method: clinical testing. Allele origin: germline.
Comment: This sequence change replaces isoleucine, which is neutral and non-polar, with threonine, which is neutral and polar, at codon 492 of the MSH3 protein (p.Ile492Thr). This variant is not present in population databases (gnomAD no frequency). This variant has not been reported in the literature in individuals affected with MSH3-related conditions. An algorithm developed to predict the effect of missense changes on protein structure and function (PolyPhen-2) suggests that this variant is likely to be tolerated. In summary, the available evidence is currently insufficient to determine the role of this variant in disease. Therefore, it has been classified as a Variant of Uncertain Significance.

NM_002439.5(MSH3):c.1475T>C (p.Ile492Thr)

Gene: MSH3 (mutS homolog 3; plus strand). Cytogenetic location: 5q14.1.
Variant type: single nucleotide variant.
Coding change: c.1475T>C on transcript NM_002439.5 (MANE Select); coding-DNA position 1475, T replaced by C.
Protein change: p.Ile492Thr; replaces isoleucine 492 with threonine.
Molecular consequence: missense variant.
Genome position (GRCh38, 1-based): chr5:80,728,872, T>C. VCF-style: chr5-80728872-T-C. GRCh37 (hg19) VCF-style: chr5-80024691-T-C.
Other names: short protein forms I492T.
Identifiers: ClinVar variation 3014718 (VCV003014718.3), dbSNP rs1743352716, ClinGen allele CA360274184.